The following is an entry in ClinVar:

NM_000540.3(RYR1):c.4346C>T (p.Ala1449Val)

Gene: RYR1 (ryanodine receptor 1; plus strand). Cytogenetic location: 19q13.2.
Variant type: single nucleotide variant.
Coding change: c.4346C>T on transcript NM_000540.3 (MANE Select); coding-DNA position 4346, C replaced by T.
Protein change: p.Ala1449Val; replaces alanine 1449 with valine.
Molecular consequence: missense variant.
Genome position (GRCh38, 1-based): chr19:38,477,762, C>T. VCF-style: chr19-38477762-C-T. GRCh37 (hg19) VCF-style: chr19-38968402-C-T.
Other names: c.4346C>T, p.Ala1449Val (NM_001042723.2); short protein forms A1449V.
Identifiers: ClinVar variation 544386 (VCV000544386.17), dbSNP rs775455157, ClinGen allele CA065965.

ClinVar aggregate classification (germline): Conflicting classifications of pathogenicity. Review status: criteria provided, conflicting classifications (1 of 4 stars). 6 submissions from 6 submitters: Uncertain significance (3); Likely benign (3). Last evaluated 2025-05-30.

Conditions:
RYR1-related disorder. Also called: RYR1-related condition; RYR1-related disorders. Identifiers: MedGen CN239331.
Malignant hyperthermia, susceptibility to, 1 (MHS1). Also called: RYR1-Related Malignant Hyperthermia Susceptibility; Malignant hyperthermia suceptibility 1; Anesthesia related hyperthermia; Malignant hyperpyrexia; Fulminating hyperpyrexia; Pharmacogenic myopathy. Identifiers: Orphanet 423, MedGen C2930980, MONDO:0007783, OMIM 145600.
Inborn genetic diseases. Identifiers: MedGen C0950123, MeSH D030342.

Allele frequency attached by ClinVar (database versions not stated): TOPMed 0.00004; gnomAD 0.00005; gnomAD exomes 0.00007; ExAC 0.00011.
gnomAD v4.1: 111 of 1,613,962 alleles (0.0069%); highest among the groups gnomAD compares: Non-Finnish European, 0.0075%; no homozygotes.

Submissions (6):

Labcorp Genetics (formerly Invitae), Labcorp
Classification: Likely benign for RYR1-related disorder. Last evaluated: 2025-05-30. Review status: criteria provided, single submitter. Criteria: Invitae Variant Classification Sherloc (09022015). Collection method: clinical testing. Allele origin: germline.

Ambry Genetics
Classification: Likely benign for Inborn genetic diseases. Last evaluated: 2024-08-27. Review status: criteria provided, single submitter. Criteria: Ambry Variant Classification Scheme 2023. Collection method: clinical testing. Allele origin: germline.

Color Diagnostics, LLC DBA Color Health
Classification: Uncertain significance for Malignant hyperthermia, susceptibility to, 1. Last evaluated: 2024-03-06. Review status: criteria provided, single submitter. Criteria: ACMG Guidelines, 2015. Collection method: clinical testing. Allele origin: germline.
Comment: This missense variant replaces alanine with valine at codon 1449 of the RYR1 protein. Computational prediction suggests that this variant may not impact protein structure and function (internally defined REVEL score threshold <= 0.5, PMID: 27666373). To our knowledge, functional studies have not been reported for this variant. This variant has not been reported in individuals affected with malignant hyperthermia in the literature. This variant has been identified in 20/282734 chromosomes in the general population by the Genome Aggregation Database (gnomAD). The available evidence is insufficient to determine the role of this variant in disease conclusively. Therefore, this variant is classified as a Variant of Uncertain Significance.

All of Us Research Program, National Institutes of Health
Classification: Uncertain significance for Malignant hyperthermia, susceptibility to, 1. Last evaluated: 2023-12-01. Review status: criteria provided, single submitter. Criteria: ACMG Guidelines, 2015. Collection method: clinical testing. Allele origin: germline. Inheritance: Autosomal dominant inheritance. Observed: 10 variant alleles, 10 heterozygotes.
Comment: This missense variant replaces alanine with valine at codon 1449 of the RYR1 protein. Computational prediction suggests that this variant may not impact protein structure and function (internally defined REVEL score threshold <= 0.5, PMID: 27666373). To our knowledge, functional studies have not been reported for this variant. This variant has not been reported in individuals affected with malignant hyperthermia in the literature. This variant has been identified in 20/282734 chromosomes in the general population by the Genome Aggregation Database (gnomAD). The available evidence is insufficient to determine the role of this variant in disease conclusively. Therefore, this variant is classified as a Variant of Uncertain Significance.

This study involves interpretation of variants in research participants for the purpose of population health screening. Participant phenotype was not available at the time of variant classification. Additional details can be found in publication PMID: 35346344, PMCID: PMC8962531

Blueprint Genetics
Classification: Likely benign. Last evaluated: 2023-11-29. Review status: criteria provided, single submitter. Criteria: ACMG Guidelines, 2015. Collection method: clinical testing. Allele origin: germline.

GeneDx
Classification: Uncertain significance. Last evaluated: 2022-06-29. Review status: criteria provided, single submitter. Criteria: GeneDx Variant Classification Process June 2021. Collection method: clinical testing. Allele origin: germline. Affected: yes.
Comment: Not observed at significant frequency in large population cohorts (gnomAD); In silico analysis supports that this missense variant does not alter protein structure/function; Has not been previously published as pathogenic or benign to our knowledge